The following is an entry in ClinVar:

NM_182931.3(KMT2E):c.4156G>T (p.Ala1386Ser)

Gene: KMT2E (lysine methyltransferase 2E (inactive); plus strand). Cytogenetic location: 7q22.3.
Variant type: single nucleotide variant.
Coding change: c.4156G>T on transcript NM_182931.3 (MANE Select); coding-DNA position 4156, G replaced by T.
Protein change: p.Ala1386Ser; replaces alanine 1386 with serine.
Molecular consequence: missense variant.
Genome position (GRCh38, 1-based): chr7:105,111,912, G>T. VCF-style: chr7-105111912-G-T. GRCh37 (hg19) VCF-style: chr7-104752359-G-T.
Other names: c.4030G>T, p.Ala1344Ser (NM_001410908.1); c.4156G>T, p.Ala1386Ser (NM_018682.4); short protein forms A1344S, A1386S.
Identifiers: ClinVar variation 2704253 (VCV002704253.3), dbSNP rs759011440, ClinGen allele CA368791795.
Genomic context (GRCh38, chr7:105,111,912, plus strand): 5'-GCTCAAGCACACGGGAAAATATTCACAAAACCAGATCCCCAATGGGACTCCACAGTTAGT[G>T]CATCCGAAGCTGAAAATGGTGTTCACCTAAAAACAGAGCTCCAACAAAAACAGCTATCAA-3'
Protein context (NP_891847.1, residues 1376-1396): PDPQWDSTVS[Ala1386Ser]SEAENGVHLK

ClinVar aggregate classification (germline): Uncertain significance (1 of 4 stars; one submission).

gnomAD v4.1: 1 of 1,614,146 alleles (0.000062%); highest among the groups gnomAD compares: Admixed American, 0.0017%; no homozygotes.

Submission:

Labcorp Genetics (formerly Invitae), Labcorp
Classification: Uncertain significance. Last evaluated: 2023-06-09. Review status: criteria provided, single submitter. Criteria: Invitae Variant Classification Sherloc (09022015). Collection method: clinical testing. Allele origin: germline.
Comment: In summary, the available evidence is currently insufficient to determine the role of this variant in disease. Therefore, it has been classified as a Variant of Uncertain Significance. Advanced modeling of protein sequence and biophysical properties (such as structural, functional, and spatial information, amino acid conservation, physicochemical variation, residue mobility, and thermodynamic stability) performed at Invitae indicates that this missense variant is not expected to disrupt KMT2E protein function. This variant has not been reported in the literature in individuals affected with KMT2E-related conditions. This variant is present in population databases (no rsID available, gnomAD 0.003%). This sequence change replaces alanine, which is neutral and non-polar, with serine, which is neutral and polar, at codon 1386 of the KMT2E protein (p.Ala1386Ser).